The following is an entry in ClinVar:

ClinVar aggregate classification (germline): Likely benign (1 of 4 stars; one submission).

Submission:

GeneDx
Classification: Likely benign. Last evaluated: 2017-05-08. Review status: criteria provided, single submitter. Criteria: GeneDx Variant Classification (06012015). Collection method: clinical testing. Allele origin: germline. Affected: yes.
Comment: This variant is considered likely benign or benign based on one or more of the following criteria: it is a conservative change, it occurs at a poorly conserved position in the protein, it is predicted to be benign by multiple in silico algorithms, and/or has population frequency not consistent with disease.

NM_003242.5(TGFBR2):c.454+17_454+47del31ins22

Gene: TGFBR2 (transforming growth factor beta receptor 2; plus strand). Cytogenetic location: 3p24.1.
Variant type: Indel.
Coding change: c.454+17_454+47del31ins22 on transcript NM_003242.5; bases 17 to 47 of the intron after coding-DNA position 454, this stretch deleted.
Identifiers: ClinVar variation 509602 (VCV000509602.1).